The following is an entry in ClinVar:

NM_007294.4(BRCA1):c.4096+30C>T

Genes: BRCA1 (BRCA1 DNA repair associated; minus strand), LOC126862571 (BRD4-independent group 4 enhancer GRCh37_chr17:41243136-41244335; plus strand). Cytogenetic location: 17q21.31.
Variant type: single nucleotide variant.
Coding change: c.4096+30C>T on transcript NM_007294.4 (MANE Select); 30 bases into the intron after coding-DNA position 4096, C replaced by T.
Molecular consequence: intron variant.
Genome position (GRCh38, 1-based): chr17:43,091,405, G>A on the plus strand (C>T on the coding strand, the complement: BRCA1 is on the minus strand). VCF-style: chr17-43091405-G-A. GRCh37 (hg19) VCF-style: chr17-41243422-G-A.
Other names: c.647-373C>T (NM_001408458.1, NM_001408469.1, NM_001408453.1 and 11 more transcripts); c.3208+30C>T (NM_001407967.1, NM_001407966.1); c.3715+30C>T (NM_001407959.1, NM_001407963.1, NM_001407960.1); c.3829+30C>T (NM_001407931.1, NM_001407932.1, NM_001407934.1 and 2 more transcripts); c.3952+30C>T (NM_001407747.1, NM_001407848.1, NM_001407839.1 and 20 more transcripts); c.3712+30C>T (NM_001407962.1); c.284-373C>T (NM_001408512.1); c.407-373C>T (NM_001408510.1); and 41 more.
Identifiers: ClinVar variation 41822 (VCV000041822.9), dbSNP rs369055904, ClinGen allele CA002618.
Genomic context (GRCh38, chr17:43,091,405, plus strand): 5'-AAATTTGTAAAATGTGCTCCCCAAAAGCATAAACATTTAGCTCACTTCTATAAATAGACT[G>A]GGGCAAACACAAAAACCTGGTTCCAATACCTAAGTTTGAATCCATGCTTTGCTCTTCTTG-3'

ClinVar aggregate classification (germline): Likely benign. Review status: criteria provided, single submitter (1 of 4 stars). 2 submissions from 2 submitters: Likely benign (1). 1 of the submissions does not count toward it. Last evaluated 2016-11-07.

Allele frequency attached by ClinVar (database versions not stated): gnomAD exomes 0.00001 and 0.00004; gnomAD 0.00003; ExAC 0.00002; TOPMed 0.00002; ESP Exome Variant Server 0.00015.
gnomAD v4.1: 23 of 1,612,160 alleles (0.0014%); highest among the groups gnomAD compares: Admixed American, 0.005%; no homozygotes.

Submissions (2):

ARUP Laboratories, Molecular Genetics and Genomics, ARUP Laboratories
Classification: Likely benign. Last evaluated: 2016-11-07. Review status: criteria provided, single submitter. Criteria: ARUP Molecular Germline Variant Investigation Process. Collection method: clinical testing. Allele origin: germline.

Biesecker Lab/Clinical Genomics Section, National Institutes of Health
Classification: Uncertain significance. Last evaluated: 2012-07-13. Review status: no assertion criteria provided. Collection method: research. Allele origin: germline. Affected: no. Observed: 1 variant allele. Study: ClinSeq. Not counted in ClinVar's aggregate classification.
ClinVar note: Converted during submission from variant of unknown significance to Uncertain significance.